The following is an entry in ClinVar:

ClinVar aggregate classification (germline): Uncertain significance (1 of 4 stars; one submission).

Allele frequency attached by ClinVar (database versions not stated): TOPMed below 0.00001; gnomAD exomes 0.00001; ExAC 0.00002.
gnomAD v4.1: 8 of 1,614,090 alleles (0.0005%); highest among the groups gnomAD compares: Non-Finnish European, 0.00068%; no homozygotes.

Submission:

Labcorp Genetics (formerly Invitae), Labcorp
Classification: Uncertain significance. Last evaluated: 2023-08-04. Review status: criteria provided, single submitter. Criteria: Invitae Variant Classification Sherloc (09022015). Collection method: clinical testing. Allele origin: germline.
Comment: This sequence change replaces serine, which is neutral and polar, with leucine, which is neutral and non-polar, at codon 1807 of the LAMA1 protein (p.Ser1807Leu). This variant is present in population databases (rs774921712, gnomAD 0.002%). This variant has not been reported in the literature in individuals affected with LAMA1-related conditions. ClinVar contains an entry for this variant (Variation ID: 2039583). Advanced modeling of protein sequence and biophysical properties (such as structural, functional, and spatial information, amino acid conservation, physicochemical variation, residue mobility, and thermodynamic stability) performed at Invitae indicates that this missense variant is not expected to disrupt LAMA1 protein function. In summary, the available evidence is currently insufficient to determine the role of this variant in disease. Therefore, it has been classified as a Variant of Uncertain Significance.

NM_005559.4(LAMA1):c.5420C>T (p.Ser1807Leu)

Gene: LAMA1 (laminin subunit alpha 1; minus strand). Cytogenetic location: 18p11.31.
Variant type: single nucleotide variant.
Coding change: c.5420C>T on transcript NM_005559.4 (MANE Select); coding-DNA position 5420, C replaced by T.
Protein change: p.Ser1807Leu; replaces serine 1807 with leucine.
Molecular consequence: missense variant.
Genome position (GRCh38, 1-based): chr18:6,985,603, G>A on the plus strand (C>T on the coding strand, the complement: LAMA1 is on the minus strand). VCF-style: chr18-6985603-G-A. GRCh37 (hg19) VCF-style: chr18-6985602-G-A.
Other names: short protein forms S1807L.
Identifiers: ClinVar variation 2039583 (VCV002039583.4), dbSNP rs774921712, ClinGen allele CA8881603.